The following is an entry in ClinVar:

NM_001378615.1(CC2D2A):c.4193_4194dup (p.Val1399fs)

Genes: FBXL5 (F-box and leucine rich repeat protein 5; minus strand), CC2D2A (coiled-coil and C2 domain containing 2A; plus strand). Cytogenetic location: 4p15.32.
Variant type: Duplication.
Coding change: c.4193_4194dup on transcript NM_001378615.1 (MANE Select); coding-DNA positions 4193 to 4194, 2 bases duplicated (AT; older notation c.4193_4194dupAT).
Protein change: p.Val1399fs; shifts the reading frame from valine 1399.
Molecular consequence: frameshift variant.
Genome position (GRCh38, 1-based): chr4:15,589,558-15,589,559, AT duplicated; duplicating any 2 consecutive bases within chr4:15,589,557-15,589,559 gives the same sequence; the c. name uses the placement nearest the transcript's 3' end. VCF-style (leftmost placement, unchanged base first): chr4-15589556-C-CTA. GRCh37 (hg19) VCF-style: chr4-15591179-C-CTA.
Other names: c.4193_4194dup, p.Val1399fs (NM_001080522.2); c.4046_4047dup, p.Val1350fs (NM_001378617.1); short protein forms V1350fs, V1399fs.
Identifiers: ClinVar variation 2938707 (VCV002938707.4), dbSNP rs1720997777, ClinGen allele CA1059643387.

ClinVar aggregate classification (germline): Pathogenic. Review status: criteria provided, multiple submitters, no conflicts (2 of 4 stars). 2 submissions from 2 submitters: Pathogenic (2). Last evaluated 2025-04-09.

Conditions:
Joubert syndrome. Also called: JOUBERT-BOLTSHAUSER SYNDROME; Familial aplasia of the vermis. Identifiers: Orphanet 475, MedGen C5979921, MONDO:0018772.
Meckel-Gruber syndrome. Also called: DYSENCEPHALIA SPLANCHNOCYSTICA; GRUBER SYNDROME; Dysencephalia splachnocystica. Identifiers: Orphanet 564, MedGen C0265215, MONDO:0018921.
Joubert syndrome and related disorders. Identifiers: Orphanet 140874, MedGen C5679612, MONDO:0015369.

Submissions (2):

Myriad Genetics, Inc.
Classification: Pathogenic for Joubert syndrome and related disorders. Last evaluated: 2025-04-09. Review status: criteria provided, single submitter. Criteria: Myriad Autosomal Dominant, Autosomal Recessive and X-Linked Classification Criteria (2023). Collection method: clinical testing. Allele origin: unknown.
Comment: NM_001080522.2(CC2D2A):c.4193_4194dupAT(V1399Mfs*3) is expected to be pathogenic in the context of CC2D2A-related disorders. This variant is predicted to lead to an abnormal or absent protein product due to the creation of a premature termination codon in CC2D2A, a gene where loss-of-function variants are known to be pathogenic. Please note: this variant was assessed in the context of healthy population screening.

Labcorp Genetics (formerly Invitae), Labcorp
Classification: Pathogenic for Joubert syndrome; Meckel-Gruber syndrome. Last evaluated: 2023-07-17. Review status: criteria provided, single submitter. Criteria: Invitae Variant Classification Sherloc (09022015). Collection method: clinical testing. Allele origin: germline.
Comment: For these reasons, this variant has been classified as Pathogenic. This variant has not been reported in the literature in individuals affected with CC2D2A-related conditions. This variant is not present in population databases (gnomAD no frequency). This sequence change creates a premature translational stop signal (p.Val1399Metfs*3) in the CC2D2A gene. It is expected to result in an absent or disrupted protein product. Loss-of-function variants in CC2D2A are known to be pathogenic (PMID: 19777577).

Literature cited by the submitters: PubMed 19777577 (cited by Labcorp Genetics (formerly Invitae), Labcorp).